The following is an entry in ClinVar:

NM_022552.5(DNMT3A):c.248G>A (p.Gly83Asp)

Gene: DNMT3A (DNA methyltransferase 3 alpha; minus strand). Cytogenetic location: 2p23.3.
Variant type: single nucleotide variant.
Coding change: c.248G>A on transcript NM_022552.5 (MANE Select); coding-DNA position 248, G replaced by A.
Protein change: p.Gly83Asp; replaces glycine 83 with aspartic acid.
Molecular consequence: missense variant. On other transcripts: non-coding transcript variant (1).
Genome position (GRCh38, 1-based): chr2:25,282,641, C>T on the plus strand (G>A on the coding strand, the complement: DNMT3A is on the minus strand). VCF-style: chr2-25282641-C-T. GRCh37 (hg19) VCF-style: chr2-25505510-C-T.
Other names: c.248G>A, p.Gly83Asp (NM_001320892.2, NM_175629.2, NM_175630.1); short protein forms G83D.
Identifiers: ClinVar variation 1901076 (VCV001901076.5), dbSNP rs2031972346, ClinGen allele CA346084059.
Genomic context (GRCh38, chr2:25,282,641, plus strand): 5'-TCCTCTGGCTGGGGCTCACTCCGCTTCTCCAAGTCCCCATTGGGTAATAGCTCTGAGGCG[C>T]CTGAGTCCTGGGCCATGGATGGGGACTTGGAGATCACCGCAGGGTCCTTTGGCGTGTCAC-3'
Protein context (NP_072046.2, residues 73-93): SKSPSMAQDS[Gly83Asp]ASELLPNGDL

ClinVar aggregate classification (germline): Uncertain significance (1 of 4 stars; one submission).

Conditions:
Tatton-Brown-Rahman overgrowth syndrome. Also called: Tall stature-intellectual disability-facial dysmorphism syndrome; Tatton-Brown-Rahman syndrome. Identifiers: Orphanet 404443, MedGen C4014545, MONDO:0014382, OMIM 615879.

Allele frequency attached by ClinVar (database versions not stated): TOPMed below 0.00001.
gnomAD v4.1: 6 of 1,611,952 alleles (0.00037%); highest among the groups gnomAD compares: Non-Finnish European, 0.00042%; no homozygotes.

Submission:

Labcorp Genetics (formerly Invitae), Labcorp
Classification: Uncertain significance for Tatton-Brown-Rahman overgrowth syndrome. Last evaluated: 2024-01-24. Review status: criteria provided, single submitter. Criteria: Invitae Variant Classification Sherloc (09022015). Collection method: clinical testing. Allele origin: germline.
Comment: This sequence change replaces glycine, which is neutral and non-polar, with aspartic acid, which is acidic and polar, at codon 83 of the DNMT3A protein (p.Gly83Asp). This variant is not present in population databases (gnomAD no frequency). This variant has not been reported in the literature in individuals affected with DNMT3A-related conditions. ClinVar contains an entry for this variant (Variation ID: 1901076). An algorithm developed to predict the effect of missense changes on protein structure and function (PolyPhen-2) suggests that this variant is likely to be tolerated. In summary, the available evidence is currently insufficient to determine the role of this variant in disease. Therefore, it has been classified as a Variant of Uncertain Significance.